The following is an entry in ClinVar:

NM_000170.3(GLDC):c.2879G>A (p.Trp960Ter)

Gene: GLDC (glycine decarboxylase; minus strand). Cytogenetic location: 9p24.1.
Variant type: single nucleotide variant.
Coding change: c.2879G>A on transcript NM_000170.3 (MANE Select); coding-DNA position 2879, G replaced by A.
Protein change: p.Trp960Ter; replaces tryptophan 960 with a stop codon.
Molecular consequence: nonsense.
Genome position (GRCh38, 1-based): chr9:6,534,748, C>T on the plus strand (G>A on the coding strand, the complement: GLDC is on the minus strand). VCF-style: chr9-6534748-C-T. GRCh37 (hg19) VCF-style: chr9-6534748-C-T.
Other names: short protein forms W960*.
Identifiers: ClinVar variation 936440 (VCV000936440.13), dbSNP rs1410625190, ClinGen allele CA372882107.

ClinVar aggregate classification (germline): Pathogenic/Likely pathogenic. Review status: criteria provided, multiple submitters, no conflicts (2 of 4 stars). 4 submissions from 4 submitters: Pathogenic (1); Likely pathogenic (3). Last evaluated 2025-12-19.

Conditions:
Glycine encephalopathy. Also called: Non-ketotic hyperglycinemia; Nonketotic hyperglycinemia. Identifiers: Orphanet 407, MedGen C0751748, MONDO:0011612, HP:0008288.
Glycine encephalopathy 1 (GCE1). Identifiers: MedGen CN376801, MONDO:0958179, OMIM 605899.
GLDC-related disorder. Also called: GLDC-related condition.

Allele frequency attached by ClinVar (database versions not stated): gnomAD exomes below 0.00001 and 0.00001; TOPMed below 0.00001; gnomAD 0.00001.
gnomAD v4.1: 3 of 1,608,308 alleles (0.00019%); highest among the groups gnomAD compares: Non-Finnish European, 0.00026%; no homozygotes.

Submissions (4):

Labcorp Genetics (formerly Invitae), Labcorp
Classification: Pathogenic for Glycine encephalopathy. Last evaluated: 2025-12-19. Review status: criteria provided, single submitter. Criteria: Invitae Variant Classification Sherloc (09022015). Collection method: clinical testing. Allele origin: germline.
Comment: This sequence change creates a premature translational stop signal (p.Trp960*) in the GLDC gene. While this is not anticipated to result in nonsense mediated decay, it is expected to disrupt the last 61 amino acid(s) of the GLDC protein. This variant is present in population databases (no rsID available, gnomAD 0.003%). This variant has not been reported in the literature in individuals affected with GLDC-related conditions. ClinVar contains an entry for this variant (Variation ID: 936440). Algorithms developed to predict the effect of sequence changes on RNA splicing suggest that this variant may create or strengthen a splice site. This variant disrupts a region of the GLDC protein in which other variant(s) (p.Tyr964*) have been determined to be pathogenic (PMID: 16450403, 26179960, 27362913). This suggests that this is a clinically significant region of the protein, and that variants that disrupt it are likely to be disease-causing. For these reasons, this variant has been classified as Pathogenic.

Natera, Inc.
Classification: Likely pathogenic for Non-ketotic hyperglycinemia. Last evaluated: 2025-09-18. Review status: criteria provided, single submitter. Criteria: Natera Variant Classification Schema (03/2026). Collection method: clinical testing. Allele origin: germline.
Comment: The c.2879G>A variant in GLDC is a nonsense variant predicted to introduce a stop codon at amino acid 960. This variant is expected to result in nonsense mediated decay, truncation, or a dysfunctional protein product. This variant is rare in the general population with a frequency below the threshold expected for the associated phenotype(s). Given the available evidence, this variant is classified as Likely Pathogenic.

Rady Children's Institute for Genomic Medicine, Rady Children's Hospital San Diego
Classification: Likely pathogenic for Glycine encephalopathy 1. Last evaluated: 2025-04-02. Review status: criteria provided, single submitter. Criteria: ACMG Guidelines, 2015. Collection method: clinical testing. Allele origin: germline. Affected: yes.
Comment: This nonsense variant is found in the penultimate exon of GLDC, therefore the resulting mRNA is predicted to escape nonsense-mediated decay. However, nonsense and frameshift variants located downstream of this variant have been reported as disease-causing variants in the literature (PMID: 26179960, 27362913). This variant has not been previously reported or functionally characterized in the literature to our knowledge. The c.2879G>A (p.Trp960Ter) variant is present in the latest version of the gnomAD population database at an allele frequency of 0.0002% (3/1608308), and is absent in the homozygous state, thus is presumed to be rare. Based on the available evidence, c.2879G>A (p.Trp960Ter) is classified as Likely Pathogenic.

PreventionGenetics, part of Exact Sciences
Classification: Likely pathogenic for GLDC-related condition. Last evaluated: 2025-01-09. Review status: criteria provided, single submitter. Criteria: ACMG Guidelines, 2015. Collection method: clinical testing. Allele origin: germline.
Comment: The GLDC c.2879G>A variant is predicted to result in premature protein termination (p.Trp960*). To our knowledge, this variant has not been reported in the literature. This variant is reported in 0.0033% of alleles in individuals of South Asian descent in gnomAD. Nonsense variants in GLDC are expected to be pathogenic and multiple loss-of-function variants downstream of p.Trp960* have been reported in individuals with glycine encephalopathy (Non-Ketotic Hyperglycinemia) (Kure et al. 2006. PubMed ID: 16450403;.Swanson. 2015. PubMed ID: 26179960; Coughlin et al. 2017. PubMed ID: 27362913). This variant is interpreted as likely pathogenic.

Literature cited by the submitters: PubMed 16450403 (cited by Labcorp Genetics (formerly Invitae), Labcorp); PubMed 26179960 (cited by Labcorp Genetics (formerly Invitae), Labcorp and Rady Children's Institute for Genomic Medicine, Rady Children's Hospital San Diego); PubMed 27362913 (cited by Labcorp Genetics (formerly Invitae), Labcorp and Rady Children's Institute for Genomic Medicine, Rady Children's Hospital San Diego).